The following is an entry in ClinVar:

NM_004260.4(RECQL4):c.2470G>A (p.Asp824Asn)

Gene: RECQL4 (RecQ like helicase 4; minus strand). Cytogenetic location: 8q24.3.
Variant type: single nucleotide variant.
Coding change: c.2470G>A on transcript NM_004260.4 (MANE Select); coding-DNA position 2470, G replaced by A.
Protein change: p.Asp824Asn; replaces aspartic acid 824 with asparagine.
Molecular consequence: missense variant.
Genome position (GRCh38, 1-based): chr8:144,513,132, C>T on the plus strand (G>A on the coding strand, the complement: RECQL4 is on the minus strand). VCF-style: chr8-144513132-C-T. GRCh37 (hg19) VCF-style: chr8-145738515-C-T.
Other names: short protein forms D824N.
Identifiers: ClinVar variation 582468 (VCV000582468.5), dbSNP rs901313954, ClinGen allele CA372677607.

ClinVar aggregate classification (germline): Uncertain significance (1 of 4 stars; one submission).

Conditions:
Baller-Gerold syndrome (BGS). Also called: CRANIOSYNOSTOSIS WITH RADIAL DEFECTS. Identifiers: Orphanet 1225, MedGen C0265308, MONDO:0009039, OMIM 218600.

Submission:

Labcorp Genetics (formerly Invitae), Labcorp
Classification: Uncertain significance for Baller-Gerold syndrome. Last evaluated: 2022-09-14. Review status: criteria provided, single submitter. Criteria: Invitae Variant Classification Sherloc (09022015). Collection method: clinical testing. Allele origin: germline.
Comment: This sequence change replaces aspartic acid, which is acidic and polar, with asparagine, which is neutral and polar, at codon 824 of the RECQL4 protein (p.Asp824Asn). This variant is not present in population databases (gnomAD no frequency). This variant has not been reported in the literature in individuals affected with RECQL4-related conditions. ClinVar contains an entry for this variant (Variation ID: 582468). In summary, the available evidence is currently insufficient to determine the role of this variant in disease. Therefore, it has been classified as a Variant of Uncertain Significance.